The following is an entry in ClinVar:

ClinVar aggregate classification (germline): Uncertain significance (1 of 4 stars; one submission).

Allele frequency attached by ClinVar (database versions not stated): gnomAD 0.00001.
gnomAD v4.1: 1 of 1,613,608 alleles (0.000062%); highest among the groups gnomAD compares: African/African-American, 0.0013%; no homozygotes.

Submission:

CeGaT Center for Human Genetics Tuebingen
Classification: Uncertain significance. Last evaluated: 2023-12-01. Review status: criteria provided, single submitter. Criteria: CeGaT Center For Human Genetics Tuebingen Variant Classification Criteria Version 2. Collection method: clinical testing. Allele origin: germline. Affected: yes. Observed: 1 variant allele.
Comment: CFAP43: PM2

NM_025145.7(CFAP43):c.3389T>C (p.Val1130Ala)

Gene: CFAP43 (cilia and flagella associated protein 43; minus strand). Cytogenetic location: 10q25.1.
Variant type: single nucleotide variant.
Coding change: c.3389T>C on transcript NM_025145.7 (MANE Select); coding-DNA position 3389, T replaced by C.
Protein change: p.Val1130Ala; replaces valine 1130 with alanine.
Molecular consequence: missense variant.
Genome position (GRCh38, 1-based): chr10:104,161,986, A>G on the plus strand (T>C on the coding strand, the complement: CFAP43 is on the minus strand). VCF-style: chr10-104161986-A-G. GRCh37 (hg19) VCF-style: chr10-105921744-A-G.
Other names: short protein forms V1130A.
Identifiers: ClinVar variation 3026608 (VCV003026608.22), dbSNP rs1483689421, ClinGen allele CA378091778.